The following is an entry in ClinVar:

ClinVar aggregate classification (germline): Uncertain significance (1 of 4 stars; one submission).

Submission:

Labcorp Genetics (formerly Invitae), Labcorp
Classification: Uncertain significance. Last evaluated: 2025-08-25. Review status: criteria provided, single submitter. Criteria: Invitae Variant Classification Sherloc (09022015). Collection method: clinical testing. Allele origin: germline.
Comment: This sequence change falls in intron 7 of the LZTR1 gene. It does not directly change the encoded amino acid sequence of the LZTR1 protein. This variant is not present in population databases (gnomAD no frequency). This variant has not been reported in the literature in individuals affected with LZTR1-related conditions. Experimental studies and prediction algorithms are not available or were not evaluated, and the effect of this variant on mRNA splicing is currently unknown. In summary, the available evidence is currently insufficient to determine the role of this variant in disease. Therefore, it has been classified as a Variant of Uncertain Significance.

NM_006767.4(LZTR1):c.651+23_651+24insTGCAGGTGGAGGAGGTGAGGGGCACGGGGAGCCAGGGTGCAGGTGGAGGAGGTGAGGGGCGTGGGGAGCCAGGG

Gene: LZTR1 (leucine zipper like post translational regulator 1; plus strand). Cytogenetic location: 22q11.21.
Variant type: Microsatellite.
Coding change: c.651+23_651+24insTGCAGGTGGAGGAGGTGAGGGGCACGGGGAGCCAGGGTGCAGGTGGAGGAGGTGAGGGGCGTGGGGAGCCAGGG on transcript NM_006767.4 (MANE Select); bases 23 to 24 of the intron after coding-DNA position 651, TGCAGGTGGAGGAGGTGAGGGGCACGGGGAGCCAGGGTGCAGGTGGAGGAGGTGAGGGGCGTGGGGAGCCAGGG inserted.
Molecular consequence: splice donor variant.
Genome position: GRCh38: chr22:20,989,676-20,989,705. GRCh37 (hg19), VCF-style position (the base before the change): chr22:21,343,964.
Identifiers: ClinVar variation 4774598 (VCV004774598.1).